The following is an entry in ClinVar:

ClinVar aggregate classification (germline): Pathogenic (1 of 4 stars; one submission).

Conditions:
Cornelia de Lange syndrome 1 (CDLS1). Also called: TYPUS DEGENERATIVUS AMSTELODAMENSIS; Brachmann de Lange syndrome; NIPBL-Related Cornelia de Lange Syndrome. Identifiers: Orphanet 199, MedGen C4551851, MONDO:0007387, OMIM 122470.

Submission:

Labcorp Genetics (formerly Invitae), Labcorp
Classification: Pathogenic for Cornelia de Lange syndrome 1. Last evaluated: 2025-11-08. Review status: criteria provided, single submitter. Criteria: Invitae Variant Classification Sherloc (09022015). Collection method: clinical testing. Allele origin: germline.
Comment: This sequence change creates a premature translational stop signal (p.Lys896Leufs*34) in the NIPBL gene. It is expected to result in an absent or disrupted protein product. Loss-of-function variants in NIPBL are known to be pathogenic (PMID: 15318302, 19763162, 23505322, 29995837). This variant is not present in population databases (gnomAD no frequency). This variant has not been reported in the literature in individuals affected with NIPBL-related conditions. For these reasons, this variant has been classified as Pathogenic.

Literature cited by the submitters: PubMed 15318302; PubMed 19763162; PubMed 23505322; PubMed 29995837.

NM_133433.4(NIPBL):c.2684_2685dup (p.Lys896fs)

Gene: NIPBL (NIPBL cohesin loading factor; plus strand). Cytogenetic location: 5p13.2.
Variant type: Duplication.
Coding change: c.2684_2685dup on transcript NM_133433.4 (MANE Select); coding-DNA positions 2684 to 2685, 2 bases duplicated (TT; older notation c.2684_2685dupTT).
Protein change: p.Lys896fs; shifts the reading frame from lysine 896.
Molecular consequence: frameshift variant.
Genome position (GRCh38, 1-based): chr5:36,985,864-36,985,865, TT duplicated. VCF-style (leftmost placement, unchanged base first): chr5-36985863-G-GTT. GRCh37 (hg19) VCF-style: chr5-36985965-G-GTT.
Other names: c.2684_2685dup, p.Lys896fs (NM_001438586.1, NM_015384.5); short protein forms K896fs.
Identifiers: ClinVar variation 4730735 (VCV004730735.1).